The following is an entry in ClinVar:

NM_001267550.2(TTN):c.94302C>T (p.His31434=)

Genes: TTN (titin; minus strand), TTN-AS1 (TTN antisense RNA 1; plus strand). Cytogenetic location: 2q31.2.
Variant type: single nucleotide variant.
Coding change: c.94302C>T on transcript NM_001267550.2 (MANE Select); coding-DNA position 94302, C replaced by T.
Protein change: p.His31434=; no amino-acid change (histidine 31434 retained).
Molecular consequence: synonymous variant.
Genome position (GRCh38, 1-based): chr2:178,547,223, G>A on the plus strand (C>T on the coding strand, the complement: TTN is on the minus strand). VCF-style: chr2-178547223-G-A. GRCh37 (hg19) VCF-style: chr2-179411950-G-A.
Other names: c.89379C>T, p.His29793= (NM_001256850.1); c.67107C>T, p.His22369= (NM_003319.4); c.86598C>T, p.His28866= (NM_133378.4); c.67482C>T, p.His22494= (NM_133432.3); c.67683C>T, p.His22561= (NM_133437.4).
Identifiers: ClinVar variation 703542 (VCV000703542.18), dbSNP rs771212876, ClinGen allele CA1987151.
Genomic context (GRCh38, chr2:178,547,223, plus strand): 5'-AAGAATTGTATTACGTTCTTTCTTCTCAACCCAGTAGCCAATGATTTTACTGCCACCATC[G>A]TGGTAGGGTTCTTCCCAACGAATAGACATGGCATTGGCAGACACATGGTAGACCTCAGGT-3'
Protein context (NP_001254479.2, residues 31424-31444): AMSIRWEEPY[His31434=]DGGSKIIGYW

ClinVar aggregate classification (germline): Likely benign. Review status: criteria provided, multiple submitters, no conflicts (2 of 4 stars). 5 submissions from 5 submitters: Likely benign (5). Last evaluated 2026-05-24.

Conditions:
TTN-related disorder. Also called: TTN-related condition; TTN-related disease; TTN-related disorders.
Cardiovascular phenotype. Identifiers: MedGen CN230736.
Autosomal recessive limb-girdle muscular dystrophy type 2J (LGMDR10). Also called: Limb-girdle muscular dystrophy, type 2J; MUSCULAR DYSTROPHY, LIMB-GIRDLE, AUTOSOMAL RECESSIVE 10. Identifiers: Orphanet 140922, MedGen C1837342, MONDO:0012127, OMIM 608807.
Dilated cardiomyopathy 1G (CMD1G). Identifiers: Orphanet 154, MedGen C1858763, MONDO:0011400, OMIM 604145.

Allele frequency attached by ClinVar (database versions not stated): gnomAD below 0.00001 and 0.00003; ExAC 0.00002; gnomAD exomes 0.00002; TOPMed 0.00002.
gnomAD v4.1: 33 of 1,613,656 alleles (0.002%); highest among the groups gnomAD compares: South Asian, 0.021%; no homozygotes.

Submissions (5):

Women's Health and Genetics/Laboratory Corporation of America, LabCorp
Classification: Likely benign. Last evaluated: 2026-05-24. Review status: criteria provided, single submitter. Criteria: LabCorp Variant Classification Summary - May 2015. Collection method: clinical testing. Allele origin: germline.

Labcorp Genetics (formerly Invitae), Labcorp
Classification: Likely benign for Dilated cardiomyopathy 1G; Autosomal recessive limb-girdle muscular dystrophy type 2J. Last evaluated: 2025-10-02. Review status: criteria provided, single submitter. Criteria: Invitae Variant Classification Sherloc (09022015). Collection method: clinical testing. Allele origin: germline.

Ambry Genetics
Classification: Likely benign for Cardiovascular phenotype. Last evaluated: 2025-05-26. Review status: criteria provided, single submitter. Criteria: Ambry Variant Classification Scheme 2023. Collection method: clinical testing. Allele origin: germline.

PreventionGenetics, part of Exact Sciences
Classification: Likely benign for TTN-related condition. Last evaluated: 2025-05-23. Review status: criteria provided, single submitter. Criteria: ACMG Guidelines, 2015. Collection method: clinical testing. Allele origin: germline.
Comment: This variant is classified as likely benign based on ACMG/AMP sequence variant interpretation guidelines (Richards et al. 2015 PMID: 25741868, with internal and published modifications).

Molecular Diagnostic Laboratory for Inherited Cardiovascular Disease, Montreal Heart Institute
Classification: Likely benign. Last evaluated: 2025-04-09. Review status: criteria provided, single submitter. Criteria: ACMG Guidelines, 2015. Collection method: clinical testing. Allele origin: germline. Affected: no.
Comment: BP6;BP7